The following is an entry in ClinVar:

NM_001106.4(ACVR2B):c.305G>C (p.Cys102Ser)

Gene: ACVR2B (activin A receptor type 2B; plus strand). Cytogenetic location: 3p22.2.
Variant type: single nucleotide variant.
Coding change: c.305G>C on transcript NM_001106.4 (MANE Select); coding-DNA position 305, G replaced by C.
Protein change: p.Cys102Ser; replaces cysteine 102 with serine.
Molecular consequence: missense variant.
Genome position (GRCh38, 1-based): chr3:38,477,905, G>C. VCF-style: chr3-38477905-G-C. GRCh37 (hg19) VCF-style: chr3-38519396-G-C.
Other names: short protein forms C102S.
Identifiers: ClinVar variation 4999107 (VCV004999107.1).

ClinVar aggregate classification (germline): Uncertain significance (1 of 4 stars; one submission).

Conditions:
ACVR2B-related disorder. Also called: ACVR2B-related condition.

Submission:

PreventionGenetics, part of Exact Sciences
Classification: Uncertain significance for ACVR2B-related condition. Last evaluated: 2025-06-03. Review status: criteria provided, single submitter. Criteria: ACMG Guidelines, 2015. Collection method: clinical testing. Allele origin: germline.
Comment: The ACVR2B c.305G>C variant is predicted to result in the amino acid substitution p.Cys102Ser. To our knowledge, this variant has not been reported in the literature or in a large population database (gnomAD), indicating this variant is rare. At this time, the clinical significance of this variant is uncertain due to the absence of conclusive functional and genetic evidence.